The following is an entry in ClinVar:

ClinVar aggregate classification (germline): Uncertain significance. Review status: criteria provided, multiple submitters, no conflicts (2 of 4 stars). 5 submissions from 5 submitters: Uncertain significance (4). 1 of the submissions does not count toward it. Last evaluated 2026-01-20.

Conditions:
Hereditary cancer-predisposing syndrome. Also called: Neoplastic Syndromes, Hereditary; Tumor predisposition; Hereditary neoplastic syndrome; Hereditary Cancer Syndrome. Identifiers: Orphanet 140162, MedGen C0027672, MeSH D009386, MONDO:0015356.
Bloom syndrome (BLM). Also called: Bloom-Torre-Machacek syndrome. Identifiers: Orphanet 125, MedGen C0005859, MONDO:0008876, OMIM 210900.

Allele frequency attached by ClinVar (database versions not stated): gnomAD exomes 0.00003 and 0.00001; ExAC 0.00004; gnomAD 0.00001.
gnomAD v4.1: 14 of 1,613,866 alleles (0.00087%); highest among the groups gnomAD compares: Middle Eastern, 0.016%; no homozygotes.

Submissions (5):

Labcorp Genetics (formerly Invitae), Labcorp
Classification: Uncertain significance for Bloom syndrome. Last evaluated: 2026-01-20. Review status: criteria provided, single submitter. Criteria: Invitae Variant Classification Sherloc (09022015). Collection method: clinical testing. Allele origin: germline.
Comment: This sequence change replaces lysine, which is basic and polar, with arginine, which is basic and polar, at codon 787 of the BLM protein (p.Lys787Arg). This variant is present in population databases (rs778695045, gnomAD 0.005%). This variant has not been reported in the literature in individuals affected with BLM-related conditions. ClinVar contains an entry for this variant (Variation ID: 568851). Invitae Evidence Modeling of protein sequence and biophysical properties (such as structural, functional, and spatial information, amino acid conservation, physicochemical variation, residue mobility, and thermodynamic stability) indicates that this missense variant is not expected to disrupt BLM protein function with a negative predictive value of 80%. In summary, the available evidence is currently insufficient to determine the role of this variant in disease. Therefore, it has been classified as a Variant of Uncertain Significance.

Ambry Genetics
Classification: Uncertain significance for Hereditary cancer-predisposing syndrome. Last evaluated: 2025-09-02. Review status: criteria provided, single submitter. Criteria: Ambry Variant Classification Scheme 2023. Collection method: clinical testing. Allele origin: germline.
Comment: The p.K787R variant (also known as c.2360A>G), located in coding exon 10 of the BLM gene, results from an A to G substitution at nucleotide position 2360. The lysine at codon 787 is replaced by arginine, an amino acid with highly similar properties. This amino acid position is not well conserved in available vertebrate species. In addition, this alteration is predicted to be tolerated by in silico analysis. Since supporting evidence is limited at this time, the clinical significance of this alteration remains unclear.

GeneDx
Classification: Uncertain significance. Last evaluated: 2024-12-06. Review status: criteria provided, single submitter. Criteria: GeneDx Variant Classification Process June 2021. Collection method: clinical testing. Allele origin: germline. Affected: yes.
Comment: Not observed at significant frequency in large population cohorts (gnomAD); In silico analysis indicates that this missense variant does not alter protein structure/function; Observed in an individual with breast cancer (Yararbas et al, 2024); This variant is associated with the following publications: (PMID: Yararbas2024[article])

Genetic Services Laboratory, University of Chicago
Classification: Uncertain significance. Last evaluated: 2020-09-11. Review status: criteria provided, single submitter. Criteria: ACMG Guidelines, 2015. Collection method: clinical testing. Allele origin: germline. Affected: no.
Comment: DNA sequence analysis of the BLM gene demonstrated a sequence change, c.2360A>G, in exon 11 that results in an amino acid change, p.Lys787Arg. This sequence change does not appear to have been previously described in patients with BLM-related disorders and has been described in the gnomAD database with a low population frequency of 0.0028% (dbSNP rs778695045). The p.Lys787Arg change affects a poorly conserved amino acid residue located in a domain of the BLM protein that is known to be functional. The p.Lys787Arg substitution appears to be benign using several in-silico pathogenicity prediction tools (SIFT, PolyPhen2, Align GVGD, REVEL). Due to these contrasting evidences and the lack of functional studies, the clinical significance of the p.Lys787Arg change remains unknown at this time

Natera, Inc.
Classification: Uncertain significance for Bloom syndrome. Last evaluated: 2020-09-08. Review status: no assertion criteria provided. Collection method: clinical testing. Allele origin: germline. Not counted in ClinVar's aggregate classification.

NM_000057.4(BLM):c.2360A>G (p.Lys787Arg)

Gene: BLM (BLM RecQ like helicase; plus strand). Cytogenetic location: 15q26.1.
Variant type: single nucleotide variant.
Coding change: c.2360A>G on transcript NM_000057.4 (MANE Select); coding-DNA position 2360, A replaced by G.
Protein change: p.Lys787Arg; replaces lysine 787 with arginine.
Molecular consequence: missense variant.
Genome position (GRCh38, 1-based): chr15:90,769,185, A>G. VCF-style: chr15-90769185-A-G. GRCh37 (hg19) VCF-style: chr15-91312415-A-G.
Other names: c.2360A>G, p.Lys787Arg (NM_001287246.2, NM_001287247.2); c.1235A>G, p.Lys412Arg (NM_001287248.2); short protein forms K787R, K412R.
Identifiers: ClinVar variation 568851 (VCV000568851.23), dbSNP rs778695045, ClinGen allele CA7738738.